The following is an entry in ClinVar:

ClinVar aggregate classification (germline): Uncertain significance (1 of 4 stars; one submission).

Submission:

Ambry Genetics
Classification: Uncertain significance. Last evaluated: 2024-11-14. Review status: criteria provided, single submitter. Criteria: Ambry Variant Classification Scheme 2023. Collection method: clinical testing. Allele origin: germline.
Comment: The p.P51L variant (also known as c.152C>T), located in coding exon 1 of the EGLN2 gene, results from a C to T substitution at nucleotide position 152. The proline at codon 51 is replaced by leucine, an amino acid with similar properties. This amino acid position is conserved. In addition, this alteration is predicted to be tolerated by in silico analysis. Since supporting evidence is limited at this time, the clinical significance of this alteration remains unclear.

NM_080732.4(EGLN2):c.152C>T (p.Pro51Leu)

Genes: EGLN2 (egl-9 family hypoxia inducible factor 2; plus strand), RAB4B-EGLN2 (RAB4B-EGLN2 readthrough (NMD candidate); plus strand). Cytogenetic location: 19q13.2.
Variant type: single nucleotide variant.
Coding change: c.152C>T on transcript NM_080732.4 (MANE Select); coding-DNA position 152, C replaced by T.
Protein change: p.Pro51Leu; replaces proline 51 with leucine.
Molecular consequence: missense variant. On other transcripts: non-coding transcript variant (1).
Genome position (GRCh38, 1-based): chr19:40,800,724, C>T. VCF-style: chr19-40800724-C-T. GRCh37 (hg19) VCF-style: chr19-41306629-C-T.
Other names: c.152C>T, p.Pro51Leu (NM_053046.4); short protein forms P51L.
Identifiers: ClinVar variation 1774593 (VCV001774593.3), dbSNP rs1489797900, ClinGen allele CA405954667.